The following is an entry in ClinVar:

NM_001098668.4(SFTPA2):c.144T>C (p.Asp48=)

Gene: SFTPA2 (surfactant protein A2; minus strand). Cytogenetic location: 10q22.3.
Variant type: single nucleotide variant.
Coding change: c.144T>C on transcript NM_001098668.4 (MANE Select); coding-DNA position 144, T replaced by C.
Protein change: p.Asp48=; no amino-acid change (aspartic acid 48 retained).
Molecular consequence: synonymous variant.
Genome position (GRCh38, 1-based): chr10:79,559,340, A>G on the plus strand (T>C on the coding strand, the complement: SFTPA2 is on the minus strand). VCF-style: chr10-79559340-A-G. GRCh37 (hg19) VCF-style: chr10-81319096-A-G.
Other names: c.144T>C, p.Asp48= (NM_001320813.2); c.174T>C, p.Asp58= (NM_001320814.1).
Identifiers: ClinVar variation 3036033 (VCV003036033.2), dbSNP rs368363771, ClinGen allele CA5574197.

ClinVar aggregate classification (germline): Likely benign (0 of 4 stars; one submission).

Conditions:
SFTPA2-related disorder. Also called: SFTPA2-related condition.

Allele frequency attached by ClinVar (database versions not stated): ExAC 0.00001; gnomAD exomes 0.00001; gnomAD 0.00003; TOPMed 0.00005; ESP Exome Variant Server 0.00008.
gnomAD v4.1: 20 of 1,613,600 alleles (0.0012%); highest among the groups gnomAD compares: Non-Finnish European, 0.0015%; no homozygotes.

Submission:

PreventionGenetics, part of Exact Sciences
Classification: Likely benign for SFTPA2-related condition. Last evaluated: 2020-12-15. Review status: no assertion criteria provided. Collection method: clinical testing. Allele origin: germline.
Comment: This variant is classified as likely benign based on ACMG/AMP sequence variant interpretation guidelines (Richards et al. 2015 PMID: 25741868, with internal and published modifications).